The following is an entry in ClinVar:

NM_004985.5(KRAS):c.450+11C>G

Gene: KRAS (KRAS proto-oncogene, GTPase; minus strand). Cytogenetic location: 12p12.1.
Variant type: single nucleotide variant.
Coding change: c.450+11C>G on transcript NM_004985.5 (MANE Select); 11 bases into the intron after coding-DNA position 450, C replaced by G.
Molecular consequence: intron variant.
Genome position (GRCh38, 1-based): chr12:25,225,603, G>C on the plus strand (C>G on the coding strand, the complement: KRAS is on the minus strand). VCF-style: chr12-25225603-G-C. GRCh37 (hg19) VCF-style: chr12-25378537-G-C.
Other names: c.450+11C>G (NM_001369787.1, NM_001369786.1, NM_033360.4).
Identifiers: ClinVar variation 179108 (VCV000179108.4), dbSNP rs727504633, ClinGen allele CA183750.
Genomic context (GRCh38, chr12:25,225,603, plus strand): 5'-TGATATATTAAATGACATAACAGTTATGATTTTGCAGAAAACAGATCTGTATTTATTTCA[G>C]TGTTACTTACCTGTCTTGTCTTTGCTGATGTTTCAATAAAAGGAATTCCATAACTTCTTG-3'

ClinVar aggregate classification (germline): Likely benign (1 of 4 stars; one submission).

Allele frequency attached by ClinVar (database versions not stated): gnomAD exomes below 0.00001; ExAC 0.00001.
gnomAD v4.1: 4 of 1,611,700 alleles (0.00025%); highest among the groups gnomAD compares: Non-Finnish European, 0.00034%; no homozygotes.

Submission:

Laboratory for Molecular Medicine, Mass General Brigham Personalized Medicine
Classification: Likely benign. Last evaluated: 2013-06-26. Review status: criteria provided, single submitter. Criteria: LMM Criteria. Collection method: clinical testing. Allele origin: germline. Observed: 1 variant allele.
Comment: 450+11C>G in intron 04 of KRAS: This variant is not expected to have clinical si gnificance because it is not located within the splice consensus sequence and is not predicted to cause altered splicing.